The following is an entry in ClinVar:

NM_000336.3(SCNN1B):c.1688G>A (p.Arg563Gln)

Gene: SCNN1B (sodium channel epithelial 1 subunit beta; plus strand). Cytogenetic location: 16p12.2.
Variant type: single nucleotide variant.
Coding change: c.1688G>A on transcript NM_000336.3 (MANE Select); coding-DNA position 1688, G replaced by A.
Protein change: p.Arg563Gln; replaces arginine 563 with glutamine.
Molecular consequence: missense variant.
Genome position (GRCh38, 1-based): chr16:23,380,566, G>A. VCF-style: chr16-23380566-G-A. GRCh37 (hg19) VCF-style: chr16-23391887-G-A.
Other names: short protein forms R563Q.
Identifiers: ClinVar variation 561264 (VCV000561264.7), dbSNP rs149868979, ClinGen allele CA7960607.

ClinVar aggregate classification (germline): Conflicting classifications of pathogenicity. Review status: criteria provided, conflicting classifications (1 of 4 stars). 5 submissions from 5 submitters: Likely pathogenic (1); Uncertain significance (4). Last evaluated 2025-10-27.

Conditions:
Bronchiectasis with or without elevated sweat chloride 1 (BESC1). Also called: Cystic Fibrosis-Like Syndrome. Identifiers: Orphanet 60033, MedGen C2749757, MONDO:0008887, OMIM 211400.
Pseudohypoaldosteronism, type IB2, autosomal recessive (PHA1B2). Identifiers: MedGen C5774255, MONDO:0859317, OMIM 620125.
Liddle syndrome 1 (LIDLS1). Also called: PSEUDOALDOSTERONISM. Identifiers: Orphanet 526, MedGen CN031472, MONDO:0020607, OMIM 177200.
Low renin, low aldosterone hypertension.

Allele frequency attached by ClinVar (database versions not stated): ExAC 0.00013; gnomAD 0.00014 and 0.00016; gnomAD exomes 0.00015; TOPMed 0.00024; ESP Exome Variant Server 0.00031.
gnomAD v4.1: 139 of 1,614,208 alleles (0.0086%); highest among the groups gnomAD compares: Admixed American, 0.065%; 1 homozygote.

Submissions (5):

Labcorp Genetics (formerly Invitae), Labcorp
Classification: Uncertain significance. Last evaluated: 2025-10-27. Review status: criteria provided, single submitter. Criteria: Invitae Variant Classification Sherloc (09022015). Collection method: clinical testing. Allele origin: germline.
Comment: This sequence change replaces arginine, which is basic and polar, with glutamine, which is neutral and polar, at codon 563 of the SCNN1B protein (p.Arg563Gln). This variant is present in population databases (rs149868979, gnomAD 0.06%). This missense change has been observed in individual(s) with clinical features of SCNN1B-related conditions (PMID: 12714866, 22895453, 28052878, 37596163). ClinVar contains an entry for this variant (Variation ID: 561264). Invitae Evidence Modeling of protein sequence and biophysical properties (such as structural, functional, and spatial information, amino acid conservation, physicochemical variation, residue mobility, and thermodynamic stability) indicates that this missense variant is not expected to disrupt SCNN1B protein function with a negative predictive value of 80%. In summary, the available evidence is currently insufficient to determine the role of this variant in disease. Therefore, it has been classified as a Variant of Uncertain Significance.

Fulgent Genetics
Classification: Uncertain significance for Liddle syndrome 1; Bronchiectasis with or without elevated sweat chloride 1; Pseudohypoaldosteronism, type IB2, autosomal recessive. Last evaluated: 2024-03-19. Review status: criteria provided, single submitter. Criteria: ACMG Guidelines, 2015. Collection method: clinical testing. Allele origin: germline.

Blueprint Genetics
Classification: Uncertain significance. Last evaluated: 2024-03-15. Review status: criteria provided, single submitter. Criteria: ACMG Guidelines, 2015. Collection method: clinical testing. Allele origin: germline.

Department of Pathology and Laboratory Medicine, Sinai Health System
Classification: Uncertain significance for Bronchiectasis with or without elevated sweat chloride 1. Last evaluated: 2023-03-07. Review status: criteria provided, single submitter. Criteria: ACMG Guidelines, 2015. Collection method: research. Allele origin: germline.

GeneID Lab - Advanced Molecular Diagnostics
Classification: Likely pathogenic for Low renin, low aldosterone hypertension. Last evaluated: 2018-03-10. Review status: criteria provided, single submitter. Criteria: ACMG Guidelines, 2015. Collection method: clinical testing. Allele origin: germline. Observed: 1 variant allele.
Comment: This variant results in an amino acid alteration, replacing an arginine(R) with a glutamine (Q) at position 563, written as p.Arg563Gln or p.Q889H. . in silico prediction algorithms does not provide uniform data regarding the effect of this change on protein structure and function, and it has not been reported in the Clin Var Database (NCBI National Library of Medicine, NIH) but it has been described in 16 alleles out of 121124, in the ExAC database, the majority (9) belonging to heterozygous carries of Latino origin. The variant has been associated with low-renin, low-aldosterone hypertension in South African black and mixed-ancestry individuals, the authors conclude that only a portion of subjects with the R563Q allele fully express the Liddleâ€™s syndrome phenotype (J Hypertens. 2003 May;21(5):921-6). Moreover, there is a positive correlation with pre-eclampsia in this population (BJOG. 2006 May;113(5):595-8).

Literature cited by the submitters: PubMed 12714866 (cited by Labcorp Genetics (formerly Invitae), Labcorp and GeneID Lab - Advanced Molecular Diagnostics); PubMed 22895453 (cited by Labcorp Genetics (formerly Invitae), Labcorp); PubMed 28052878 (cited by Labcorp Genetics (formerly Invitae), Labcorp); PubMed 37596163 (cited by Labcorp Genetics (formerly Invitae), Labcorp); PubMed 16579800 (cited by GeneID Lab - Advanced Molecular Diagnostics).